The following is an entry in ClinVar:

NM_000059.4(BRCA2):c.5075G>A (p.Trp1692Ter)

Gene: BRCA2 (BRCA2 DNA repair associated; plus strand). Cytogenetic location: 13q13.1.
Variant type: single nucleotide variant.
Coding change: c.5075G>A on transcript NM_000059.4 (MANE Select); coding-DNA position 5075, G replaced by A.
Protein change: p.Trp1692Ter; replaces tryptophan 1692 with a stop codon.
Molecular consequence: nonsense.
Genome position (GRCh38, 1-based): chr13:32,339,430, G>A. VCF-style: chr13-32339430-G-A. GRCh37 (hg19) VCF-style: chr13-32913567-G-A.
Other names: short protein forms W1692*.
Identifiers: ClinVar variation 531216 (VCV000531216.9), dbSNP rs1555284058, ClinGen allele CA387784070.
Genomic context (GRCh38, chr13:32,339,430, plus strand): 5'-ACACAAGTTGTAGTAGAAAAACTTCTGTGAGTCAGACTTCATTACTTGAAGCAAAAAAAT[G>A]GCTTAGAGAAGGAATATTTGATGGTCAACCAGAAAGAATAAATACTGCAGATTATGTAGG-3'

ClinVar aggregate classification (germline): Pathogenic. Review status: criteria provided, multiple submitters, no conflicts (2 of 4 stars). 3 submissions from 3 submitters: Pathogenic (3). Last evaluated 2025-07-08.

Conditions:
Breast-ovarian cancer, familial, susceptibility to, 2 (BROVCA2). Also called: BRCA2 Hereditary Breast and Ovarian Cancer. Identifiers: Orphanet 145, MedGen C2675520, MONDO:0012933, OMIM 612555. Disease mechanism: loss of function.
Hereditary breast ovarian cancer syndrome. Also called: Hereditary breast and ovarian cancer syndrome; Hereditary breast and ovarian cancer syndrome (HBOC); BRCA1- and BRCA2-Associated Hereditary Breast and Ovarian Cancer; Hereditary breast and ovarian cancer; Breast and ovarian cancer; Hereditary breast and/or ovarian cancer syndrome. Identifiers: Orphanet 145, MedGen C0677776, MeSH D061325, MONDO:0003582. Disease mechanism: loss of function.
Hereditary cancer-predisposing syndrome. Also called: Neoplastic Syndromes, Hereditary; Hereditary neoplastic syndrome; Tumor predisposition; Hereditary Cancer Syndrome. Identifiers: Orphanet 140162, MedGen C0027672, MeSH D009386, MONDO:0015356.

Submissions (3):

Labcorp Genetics (formerly Invitae), Labcorp
Classification: Pathogenic for Hereditary breast ovarian cancer syndrome. Last evaluated: 2025-07-08. Review status: criteria provided, single submitter. Criteria: Invitae Variant Classification Sherloc (09022015). Collection method: clinical testing. Allele origin: germline.
Comment: This sequence change creates a premature translational stop signal (p.Trp1692*) in the BRCA2 gene. It is expected to result in an absent or disrupted protein product. Loss-of-function variants in BRCA2 are known to be pathogenic (PMID: 20104584). This variant is not present in population databases (gnomAD no frequency). This variant has not been reported in the literature in individuals affected with BRCA2-related conditions. ClinVar contains an entry for this variant (Variation ID: 531216). For these reasons, this variant has been classified as Pathogenic.

Ambry Genetics
Classification: Pathogenic for Hereditary cancer-predisposing syndrome. Last evaluated: 2024-07-08. Review status: criteria provided, single submitter. Criteria: Ambry Variant Classification Scheme 2023. Collection method: clinical testing. Allele origin: germline.
Comment: The p.W1692* pathogenic mutation (also known as c.5075G>A), located in coding exon 10 of the BRCA2 gene, results from a G to A substitution at nucleotide position 5075. This changes the amino acid from a tryptophan to a stop codon within coding exon 10. This variant is considered to be rare based on population cohorts in the Genome Aggregation Database (gnomAD). This alteration is expected to result in loss of function by premature protein truncation or nonsense-mediated mRNA decay. As such, this alteration is interpreted as a disease-causing mutation.

Myriad Genetics, Inc.
Classification: Pathogenic for Breast-ovarian cancer, familial, susceptibility to, 2. Last evaluated: 2023-01-17. Review status: criteria provided, single submitter. Criteria: Myriad Autosomal Dominant, Autosomal Recessive and X-Linked Classification Criteria (2023). Collection method: clinical testing. Allele origin: unknown.
Comment: This variant is considered pathogenic. This variant creates a termination codon and is predicted to result in premature protein truncation.

Literature cited by the submitters: PubMed 20104584 (cited by Labcorp Genetics (formerly Invitae), Labcorp).